The following is an entry in ClinVar:

ClinVar aggregate classification (germline): Uncertain significance. Review status: criteria provided, single submitter (1 of 4 stars). 2 submissions from 2 submitters: Uncertain significance (1). 1 of the submissions does not count toward it. Last evaluated 2022-03-31.

Conditions:
Ehlers-Danlos syndrome, dermatosparaxis type. Also called: EDS VIIC; Dermatosparaxis; Ehlers-Danlos syndrome, type VII, autosomal recessive. Identifiers: Orphanet 1901, MedGen C2700425, MONDO:0009161, OMIM 225410.

gnomAD v4.1: 1 of 1,613,490 alleles (0.000062%); highest among the groups gnomAD compares: East Asian, 0.0022%; no homozygotes.

Submissions (2):

Labcorp Genetics (formerly Invitae), Labcorp
Classification: Uncertain significance for Ehlers-Danlos syndrome, dermatosparaxis type. Last evaluated: 2022-03-31. Review status: criteria provided, single submitter. Criteria: Invitae Variant Classification Sherloc (09022015). Collection method: clinical testing. Allele origin: germline.
Comment: In summary, the available evidence is currently insufficient to determine the role of this variant in disease. Therefore, it has been classified as a Variant of Uncertain Significance. Algorithms developed to predict the effect of missense changes on protein structure and function are either unavailable or do not agree on the potential impact of this missense change (SIFT: "Deleterious"; PolyPhen-2: "Possibly Damaging"; Align-GVGD: "Class C0"). This variant has not been reported in the literature in individuals affected with ADAMTS2-related conditions. This variant is present in population databases (no rsID available, gnomAD 0.006%). This sequence change replaces leucine, which is neutral and non-polar, with serine, which is neutral and polar, at codon 194 of the ADAMTS2 protein (p.Leu194Ser).

Natera, Inc.
Classification: Uncertain significance for Ehlers-Danlos syndrome type VIIC. Last evaluated: 2025-04-02. Review status: no assertion criteria provided. Collection method: clinical testing. Allele origin: germline. Not counted in ClinVar's aggregate classification.

NM_014244.5(ADAMTS2):c.581T>C (p.Leu194Ser)

Gene: ADAMTS2 (ADAM metallopeptidase with thrombospondin type 1 motif 2; minus strand). Cytogenetic location: 5q35.3.
Variant type: single nucleotide variant.
Coding change: c.581T>C on transcript NM_014244.5 (MANE Select); coding-DNA position 581, T replaced by C.
Protein change: p.Leu194Ser; replaces leucine 194 with serine.
Molecular consequence: missense variant.
Genome position (GRCh38, 1-based): chr5:179,273,018, A>G on the plus strand (T>C on the coding strand, the complement: ADAMTS2 is on the minus strand). VCF-style: chr5-179273018-A-G. GRCh37 (hg19) VCF-style: chr5-178700019-A-G.
Other names: c.581T>C, p.Leu194Ser (NM_021599.4); c.581T>C (NM_014244.4); short protein forms L194S.
Identifiers: ClinVar variation 2119861 (VCV002119861.5), dbSNP rs1168475702, ClinGen allele CA362427173.